The following is an entry in ClinVar:

ClinVar aggregate classification (germline): Benign. Review status: criteria provided, multiple submitters, no conflicts (2 of 4 stars). 4 submissions from 3 submitters: Benign (4). Last evaluated 2018-08-17.

Conditions:
Nephronophthisis 12 (NPHP12). Identifiers: Orphanet 655, MedGen C3151186, MONDO:0013442, OMIM 613820.
Asphyxiating thoracic dystrophy 4 (SRTD4). Also called: SHORT-RIB THORACIC DYSPLASIA 4 WITH OR WITHOUT POLYDACTYLY; SHORT-RIB THORACIC DYSPLASIA 4. Identifiers: Orphanet 474, MedGen C3151185, MONDO:0013441, OMIM 613819.

Allele frequency attached by ClinVar (database versions not stated): gnomAD 0.02595 and 0.02812; 1000 Genomes Project 0.02915; TOPMed 0.02954; 1000 Genomes Project 30x 0.02983.
gnomAD v4.1: 6,409 of 1,004,518 alleles (0.64%); highest among the groups gnomAD compares: African/African-American, 9.1%; 267 homozygotes.

Submissions (4):

GeneDx
Classification: Benign. Last evaluated: 2018-08-17. Review status: criteria provided, single submitter. Criteria: GeneDx Variant Classification Process June 2021. Collection method: clinical testing. Allele origin: germline. Affected: yes.

Illumina Laboratory Services, Illumina
Classification: Benign for Nephronophthisis 12. Last evaluated: 2018-01-13. Review status: criteria provided, single submitter. Criteria: ICSL Variant Classification Criteria 13 December 2019. Collection method: clinical testing. Allele origin: germline.
Comment: This variant was observed in the ICSL laboratory as part of a predisposition screen in an ostensibly healthy population. It had not been previously curated by ICSL or reported in the Human Gene Mutation Database (HGMD: prior to June 1st, 2018), and was therefore a candidate for classification through an automated scoring system. Utilizing variant allele frequency, disease prevalence and penetrance estimates, and inheritance mode, an automated score was calculated to assess if this variant is too frequent to cause the disease. Based on the score and internal cut-off values, a variant classified as benign is not then subjected to further curation. The score for this variant resulted in a classification of benign for this disease.

Illumina Laboratory Services, Illumina
Classification: Benign for Asphyxiating thoracic dystrophy 4. Last evaluated: 2018-01-13. Review status: criteria provided, single submitter. Criteria: ICSL Variant Classification Criteria 13 December 2019. Collection method: clinical testing. Allele origin: germline.
Comment: the same text as in the submission from Illumina Laboratory Services, Illumina above.

Breakthrough Genomics
Classification: Benign. Review status: criteria provided, single submitter. Criteria: ACMG Guidelines, 2015. Collection method: not provided. Allele origin: germline. Inheritance: Autosomal recessive inheritance. Affected: yes.

NM_024753.5(TTC21B):c.*105G>A

Genes: TTC21B (tetratricopeptide repeat domain 21B; minus strand), LOC129935046 (ATAC-STARR-seq lymphoblastoid active region 16728; plus strand). Cytogenetic location: 2q24.3.
Variant type: single nucleotide variant.
Coding change: c.*105G>A on transcript NM_024753.5 (MANE Select); 105 bases downstream of the stop codon, G replaced by A.
Molecular consequence: 3 prime UTR variant.
Genome position (GRCh38, 1-based): chr2:165,874,650, C>T on the plus strand (G>A on the coding strand, the complement: TTC21B is on the minus strand). VCF-style: chr2-165874650-C-T. GRCh37 (hg19) VCF-style: chr2-166731160-C-T.
Identifiers: ClinVar variation 331818 (VCV000331818.8), dbSNP rs74548052, ClinGen allele CA10612723.